The following is an entry in ClinVar:

ClinVar aggregate classification (germline): Conflicting classifications of pathogenicity. Review status: criteria provided, conflicting classifications (1 of 4 stars). 3 submissions from 3 submitters: Uncertain significance (1); Likely benign (2). Last evaluated 2026-03-01.

Conditions:
Proline dehydrogenase deficiency (HYRPRO1). Also called: Hyperprolinemia type 1; PROLINE OXIDASE DEFICIENCY. Identifiers: Orphanet 419, MedGen C0268529, MONDO:0009400, OMIM 239500.

Submissions (3):

CeGaT Center for Human Genetics Tuebingen
Classification: Uncertain significance. Last evaluated: 2026-03-01. Review status: criteria provided, single submitter. Criteria: CeGaT Center For Human Genetics Tuebingen Variant Classification Criteria Version 2. Collection method: clinical testing. Allele origin: germline. Affected: yes. Observed: 1 variant allele.
Comment: PRODH: PM2, PM3, BP4, BP7

Labcorp Genetics (formerly Invitae), Labcorp
Classification: Likely benign for Proline dehydrogenase deficiency. Last evaluated: 2025-12-08. Review status: criteria provided, single submitter. Criteria: Invitae Variant Classification Sherloc (09022015). Collection method: clinical testing. Allele origin: germline.

Blueprint Genetics
Classification: Likely benign. Last evaluated: 2024-06-13. Review status: criteria provided, single submitter. Criteria: ACMG Guidelines, 2015. Collection method: clinical testing. Allele origin: germline.

NM_016335.6(PRODH):c.21G>A (p.Leu7=)

Gene: PRODH (proline dehydrogenase 1; minus strand). Cytogenetic location: 22q11.21.
Variant type: single nucleotide variant.
Coding change: c.21G>A on transcript NM_016335.6 (MANE Select); coding-DNA position 21, G replaced by A.
Protein change: p.Leu7=; no amino-acid change (leucine 7 retained).
Molecular consequence: synonymous variant. On other transcripts: intron variant (1).
Genome position (GRCh38, 1-based): chr22:18,936,267, C>T on the plus strand (G>A on the coding strand, the complement: PRODH is on the minus strand). VCF-style: chr22-18936267-C-T. GRCh37 (hg19) VCF-style: chr22-18923780-C-T.
Other names: c.-52+123G>A (NM_001195226.2).
Identifiers: ClinVar variation 459915 (VCV000459915.18), dbSNP rs539772713, ClinGen allele CA321322659.